The following is an entry in ClinVar:

ClinVar aggregate classification (germline): Uncertain significance. Review status: criteria provided, multiple submitters, no conflicts (2 of 4 stars). 2 submissions from 2 submitters: Uncertain significance (2). Last evaluated 2025-06-17.

Conditions:
Inborn genetic diseases. Identifiers: MedGen C0950123, MeSH D030342.

Allele frequency attached by ClinVar (database versions not stated): ESP Exome Variant Server 0.00008; ExAC 0.00012; gnomAD 0.00013; TOPMed 0.00015; gnomAD exomes 0.00031.
gnomAD v4.1: 469 of 1,614,050 alleles (0.029%); highest among the groups gnomAD compares: Non-Finnish European, 0.038%; no homozygotes.

Submissions (2):

GeneDx
Classification: Uncertain significance. Last evaluated: 2025-06-17. Review status: criteria provided, single submitter. Criteria: GeneDx Variant Classification Process June 2021. Collection method: clinical testing. Allele origin: germline. Affected: yes.
Comment: In silico analysis supports that this missense variant has a deleterious effect on protein structure/function; Has not been previously published as pathogenic or benign to our knowledge

Ambry Genetics
Classification: Uncertain significance for Inborn genetic diseases. Last evaluated: 2024-01-23. Review status: criteria provided, single submitter. Criteria: Ambry Variant Classification Scheme 2023. Collection method: clinical testing. Allele origin: germline.

NM_004667.6(HERC2):c.1954G>A (p.Glu652Lys)

Gene: HERC2 (HECT and RLD domain containing E3 ubiquitin protein ligase 2; minus strand). Cytogenetic location: 15q13.1.
Variant type: single nucleotide variant.
Coding change: c.1954G>A on transcript NM_004667.6 (MANE Select); coding-DNA position 1954, G replaced by A.
Protein change: p.Glu652Lys; replaces glutamic acid 652 with lysine.
Molecular consequence: missense variant.
Genome position (GRCh38, 1-based): chr15:28,263,086, C>T on the plus strand (G>A on the coding strand, the complement: HERC2 is on the minus strand). VCF-style: chr15-28263086-C-T. GRCh37 (hg19) VCF-style: chr15-28508232-C-T.
Other names: c.1954G>A (NM_004667.4); short protein forms E652K.
Identifiers: ClinVar variation 1723029 (VCV001723029.5), dbSNP rs375037938, ClinGen allele CA7443296.
Genomic context (GRCh38, chr15:28,263,086, plus strand): 5'-AAGCAATGGAAAACTGACTTCCACAGCGGACTTTGACCACATCCAAGTCTTGAAGCTTTT[C>T]AATCAGCTTTGGGGTTTTGCAGCCATCACTACCACCTCTGCCCAATTTCCCATAGTCACC-3'
Protein context (NP_004658.3, residues 642-662): SDGCKTPKLI[Glu652Lys]KLQDLDVVKV